The following is an entry in ClinVar:

ClinVar aggregate classification (germline): Uncertain significance. Review status: criteria provided, multiple submitters, no conflicts (2 of 4 stars). 2 submissions from 2 submitters: Uncertain significance (2). Last evaluated 2025-01-21.

Allele frequency attached by ClinVar (database versions not stated): gnomAD 0.00002; gnomAD exomes 0.00004; TOPMed 0.00005; ESP Exome Variant Server 0.00008; ExAC 0.00016.
gnomAD v4.1: 69 of 1,613,910 alleles (0.0043%); highest among the groups gnomAD compares: Admixed American, 0.06%; no homozygotes.

Submissions (2):

Labcorp Genetics (formerly Invitae), Labcorp
Classification: Uncertain significance. Last evaluated: 2025-01-21. Review status: criteria provided, single submitter. Criteria: Invitae Variant Classification Sherloc (09022015). Collection method: clinical testing. Allele origin: germline.
Comment: This sequence change replaces serine, which is neutral and polar, with asparagine, which is neutral and polar, at codon 1303 of the SLIT2 protein (p.Ser1303Asn). This variant is present in population databases (rs199980183, gnomAD 0.1%), and has an allele count higher than expected for a pathogenic variant. This variant has not been reported in the literature in individuals affected with SLIT2-related conditions. ClinVar contains an entry for this variant (Variation ID: 2151178). An algorithm developed to predict the effect of missense changes on protein structure and function (PolyPhen-2) suggests that this variant is likely to be tolerated. In summary, the available evidence is currently insufficient to determine the role of this variant in disease. Therefore, it has been classified as a Variant of Uncertain Significance.

Ambry Genetics
Classification: Uncertain significance. Last evaluated: 2024-11-08. Review status: criteria provided, single submitter. Criteria: Ambry Variant Classification Scheme 2023. Collection method: clinical testing. Allele origin: germline.

NM_004787.4(SLIT2):c.3908G>A (p.Ser1303Asn)

Gene: SLIT2 (slit guidance ligand 2; plus strand). Cytogenetic location: 4p15.31.
Variant type: single nucleotide variant.
Coding change: c.3908G>A on transcript NM_004787.4 (MANE Select); coding-DNA position 3908, G replaced by A.
Protein change: p.Ser1303Asn; replaces serine 1303 with asparagine.
Molecular consequence: missense variant.
Genome position (GRCh38, 1-based): chr4:20,616,970, G>A. VCF-style: chr4-20616970-G-A. GRCh37 (hg19) VCF-style: chr4-20618593-G-A.
Other names: c.3896G>A, p.Ser1299Asn (NM_001289135.3); c.3884G>A, p.Ser1295Asn (NM_001289136.3); c.3908G>A (NM_004787.1); short protein forms S1295N, S1299N, S1303N.
Identifiers: ClinVar variation 2151178 (VCV002151178.5), dbSNP rs199980183, ClinGen allele CA2872321.